The following is an entry in ClinVar:

ClinVar aggregate classification (germline): Uncertain significance (1 of 4 stars; one submission).

gnomAD v4.1: 1 of 1,614,078 alleles (0.000062%); highest among the groups gnomAD compares: Admixed American, 0.0017%; no homozygotes.

Submission:

Labcorp Genetics (formerly Invitae), Labcorp
Classification: Uncertain significance. Last evaluated: 2024-02-02. Review status: criteria provided, single submitter. Criteria: Invitae Variant Classification Sherloc (09022015). Collection method: clinical testing. Allele origin: germline.
Comment: This sequence change replaces proline, which is neutral and non-polar, with alanine, which is neutral and non-polar, at codon 883 of the EGF protein (p.Pro883Ala). This variant is present in population databases (rs775907076, gnomAD 0.003%). This variant has not been reported in the literature in individuals affected with EGF-related conditions. Algorithms developed to predict the effect of missense changes on protein structure and function output the following: SIFT: "Not Available"; PolyPhen-2: "Benign"; Align-GVGD: "Not Available". The alanine amino acid residue is found in multiple mammalian species, which suggests that this missense change does not adversely affect protein function. In summary, the available evidence is currently insufficient to determine the role of this variant in disease. Therefore, it has been classified as a Variant of Uncertain Significance.

NM_001963.6(EGF):c.2647C>G (p.Pro883Ala)

Gene: EGF (epidermal growth factor; plus strand). Cytogenetic location: 4q25.
Variant type: single nucleotide variant.
Coding change: c.2647C>G on transcript NM_001963.6 (MANE Select); coding-DNA position 2647, C replaced by G.
Protein change: p.Pro883Ala; replaces proline 883 with alanine.
Molecular consequence: missense variant. On other transcripts: intron variant (1).
Genome position (GRCh38, 1-based): chr4:109,988,622, C>G. VCF-style: chr4-109988622-C-G. GRCh37 (hg19) VCF-style: chr4-110909778-C-G.
Other names: c.2647C>G, p.Pro883Ala (NM_001178130.3); c.2521C>G, p.Pro841Ala (NM_001178131.3); c.2366-4625C>G (NM_001357021.2); short protein forms P841A, P883A.
Identifiers: ClinVar variation 3610032 (VCV003610032.2).